The following is an entry in ClinVar:

ClinVar aggregate classification (germline): Uncertain significance. Review status: criteria provided, multiple submitters, no conflicts (2 of 4 stars). 3 submissions from 3 submitters: Uncertain significance (3). Last evaluated 2025-11-07.

Conditions:
Arthrogryposis, renal dysfunction, and cholestasis 1 (ARCS1). Identifiers: Orphanet 2697, MedGen C1859722, MONDO:0008822, OMIM 208085.
Keratoderma-ichthyosis-deafness syndrome, autosomal recessive (KDIDAR). Identifiers: MedGen C5774200, MONDO:0859278, OMIM 620009.
Cholestasis, progressive familial intrahepatic, 12 (PFIC12). Also called: CHOLESTASIS, ISOLATED LOW-GGT. Identifiers: MedGen C5774311, MONDO:0031040, OMIM 620010.
VPS33B-related disorder. Also called: VPS33B-related condition.
Inborn genetic diseases. Identifiers: MedGen C0950123, MeSH D030342.

Allele frequency attached by ClinVar (database versions not stated): gnomAD exomes 0.00004; gnomAD 0.00005; TOPMed 0.00005; ExAC 0.00008; ESP Exome Variant Server 0.00008.
gnomAD v4.1: 63 of 1,613,990 alleles (0.0039%); highest among the groups gnomAD compares: South Asian, 0.029%; no homozygotes.

Submissions (4):

PreventionGenetics, part of Exact Sciences
Classification: Uncertain significance for VPS33B-related condition. Last evaluated: 2025-11-07. Review status: criteria provided, single submitter. Criteria: ACMG Guidelines, 2015. Collection method: clinical testing. Allele origin: germline.
Comment: The VPS33B c.1307A>G variant is predicted to result in the amino acid substitution p.Asn436Ser. To our knowledge, this variant has not been reported in the literature. This variant is reported in 0.033% of alleles in individuals of South Asian descent in gnomAD. At this time, the clinical significance of this variant is uncertain due to the absence of conclusive functional and genetic evidence.

Fulgent Genetics
Classification: Uncertain significance for Arthrogryposis, renal dysfunction, and cholestasis 1; Keratoderma-ichthyosis-deafness syndrome, autosomal recessive; Cholestasis, progressive familial intrahepatic, 12. Last evaluated: 2024-03-19. Review status: criteria provided, single submitter. Criteria: ACMG Guidelines, 2015. Collection method: clinical testing. Allele origin: germline.

Ambry Genetics
Classification: Uncertain significance for Inborn genetic diseases. Last evaluated: 2023-02-13. Review status: criteria provided, single submitter. Criteria: Ambry Variant Classification Scheme 2023. Collection method: clinical testing. Allele origin: germline.

Dr. Peter K. Rogan Lab, Western University
No classification provided (evidence only). Condition: Lung cancer. Review status: no classification provided. Collection method: in vitro. Allele origin: not applicable. Functional consequence: retained intron. Not counted in ClinVar's aggregate classification.

NM_018668.5(VPS33B):c.1307A>G (p.Asn436Ser)

Gene: VPS33B (VPS33B late endosome and lysosome associated; minus strand). Cytogenetic location: 15q26.1.
Variant type: single nucleotide variant.
Coding change: c.1307A>G on transcript NM_018668.5 (MANE Select); coding-DNA position 1307, A replaced by G.
Protein change: p.Asn436Ser; replaces asparagine 436 with serine.
Molecular consequence: missense variant.
Genome position (GRCh38, 1-based): chr15:91,002,148, T>C on the plus strand (A>G on the coding strand, the complement: VPS33B is on the minus strand). VCF-style: chr15-91002148-T-C. GRCh37 (hg19) VCF-style: chr15-91545378-T-C.
Other names: NC_000015.9:g.91545378T>C; c.1226A>G, p.Asn409Ser (NM_001289148.1); c.1034A>G, p.Asn345Ser (NM_001289149.1); short protein forms N436S, N345S, N409S.
Identifiers: ClinVar variation 2469146 (VCV002469146.6), dbSNP rs145418676, ClinGen allele CA7744687.